The following is an entry in ClinVar:

NM_006767.4(LZTR1):c.2395C>T (p.Gln799Ter)

Gene: LZTR1 (leucine zipper like post translational regulator 1; plus strand). Cytogenetic location: 22q11.21.
Variant type: single nucleotide variant.
Coding change: c.2395C>T on transcript NM_006767.4 (MANE Select); coding-DNA position 2395, C replaced by T.
Protein change: p.Gln799Ter; replaces glutamine 799 with a stop codon.
Molecular consequence: nonsense.
Genome position (GRCh38, 1-based): chr22:20,996,955, C>T. VCF-style: chr22-20996955-C-T. GRCh37 (hg19) VCF-style: chr22-21351244-C-T.
Other names: short protein forms Q799*.
Identifiers: ClinVar variation 1790612 (VCV001790612.8), dbSNP rs2518626151, ClinGen allele CA410781223.

ClinVar aggregate classification (germline): Conflicting classifications of pathogenicity. Review status: criteria provided, conflicting classifications (1 of 4 stars). 2 submissions from 2 submitters: Pathogenic (1); Uncertain significance (1). Last evaluated 2025-01-09.

Conditions:
Hereditary cancer-predisposing syndrome. Also called: Hereditary Cancer Syndrome; Hereditary neoplastic syndrome; Tumor predisposition; Neoplastic Syndromes, Hereditary. Identifiers: Orphanet 140162, MedGen C0027672, MeSH D009386, MONDO:0015356.
Cardiovascular phenotype. Identifiers: MedGen CN230736.

Allele frequency attached by ClinVar (database versions not stated): gnomAD exomes 0.00001.
gnomAD v4.1: 9 of 1,613,592 alleles (0.00056%); highest among the groups gnomAD compares: East Asian, 0.0022%; no homozygotes.

Submissions (2):

Ambry Genetics
Classification: Uncertain significance for Cardiovascular phenotype; Hereditary cancer-predisposing syndrome. Last evaluated: 2025-01-09. Review status: criteria provided, single submitter. Criteria: Ambry Variant Classification Scheme 2023. Collection method: clinical testing. Allele origin: germline.
Comment: The p.Q799* variant (also known as c.2395C>T), located in coding exon 20 of the LZTR1 gene, results from a C to T substitution at nucleotide position 2395. This changes the amino acid from a glutamine to a stop codon within coding exon 20. This alteration occurs at the 3' terminus of theLZTR1 gene, is not expected to trigger nonsense-mediated mRNA decay, and only impacts the last 5% of the protein. The exact functional effect of this alteration is unknown. Based on the available evidence, the clinical significance of this variant remains unclear.

Labcorp Genetics (formerly Invitae), Labcorp
Classification: Pathogenic. Last evaluated: 2024-12-27. Review status: criteria provided, single submitter. Criteria: Invitae Variant Classification Sherloc (09022015). Collection method: clinical testing. Allele origin: germline.
Comment: This sequence change creates a premature translational stop signal (p.Gln799*) in the LZTR1 gene. While this is not anticipated to result in nonsense mediated decay, it is expected to disrupt the last 42 amino acid(s) of the LZTR1 protein. This variant is not present in population databases (gnomAD no frequency). This variant has not been reported in the literature in individuals affected with LZTR1-related conditions. ClinVar contains an entry for this variant (Variation ID: 1790612). Algorithms developed to predict the effect of sequence changes on RNA splicing suggest that this variant may disrupt the consensus splice site. This variant disrupts a region of the LZTR1 protein in which other variant(s) (p.Leu806Trp) have been determined to be pathogenic (internal data). This suggests that this is a clinically significant region of the protein, and that variants that disrupt it are likely to be disease-causing. For these reasons, this variant has been classified as Pathogenic.